The following is an entry in ClinVar:

NM_000330.4(RS1):c.657C>A (p.Cys219Ter)

Genes: CDKL5 (cyclin dependent kinase like 5; plus strand), RS1 (retinoschisin 1; minus strand). Cytogenetic location: Xp22.13.
Variant type: single nucleotide variant.
Coding change: c.657C>A on transcript NM_000330.4 (MANE Select); coding-DNA position 657, C replaced by A.
Protein change: p.Cys219Ter; replaces cysteine 219 with a stop codon.
Molecular consequence: nonsense. On other transcripts: intron variant (2).
Genome position (GRCh38, 1-based): chrX:18,642,022, G>T on the plus strand (C>A on the coding strand, the complement: RS1 is on the minus strand). VCF-style: chrX-18642022-G-T. GRCh37 (hg19) VCF-style: chrX-18660142-G-T.
Other names: NM_003159.3:c.2714-3985G>T; c.2714-3985G>T (NM_003159.3, NM_001037343.2); short protein forms C219*.
Identifiers: ClinVar variation 4976900 (VCV004976900.1).

ClinVar aggregate classification (germline): Pathogenic (3 of 4 stars; one submission).

Conditions:
Juvenile retinoschisis (RS1). Also called: X-Linked Juvenile Retinoschisis; X-linked retinoschisis. Identifiers: Orphanet 792, MedGen C3714753, MONDO:0010725, OMIM 312700.

Submission:

ClinGen X-linked Inherited Retinal Disease Variant Curation Expert Panel, ClinGen
Classification: Pathogenic for Juvenile retinoschisis. Last evaluated: 2026-09-26. Review status: reviewed by expert panel. Criteria: ClinGen X LinkedIRD ACMG Specifications RS1 V1.0.0. Collection method: curation. Allele origin: germline. Inheritance: X-linked inheritance.
Comment: The NM_000330.4(RS1): c.657C>A variant is a nonsense variant in amino acid 219, which results in a premature stop codon and causes a truncated protein. This is a nonsense variant that introduces a premature stop codon between amino acids 1-223 that is predicted to either trigger nonsense-mediated decay or to disrupt a critical C-terminal region required for proper multimerization of RS1 (PVS1, PMID: 19849666). This variant is absent from hemizygous individuals in gnomAD v4.1.0 (PM2_Supporting). This variant has been reported in at least 2 apparently unrelated probands meeting the PS4 requirement of a male diagnosed with XLRS (PMID: 35309139, PS4_Supporting). In summary, this variant is classified as pathogenic for X-linked retinoschisis based on the ClinGen X-linked Inherited Retinal Disease Expert Panel Specifications to the ACMG/AMP Variant Interpretation Guidelines for RS1 Version 1.0.0: PM2_supporting, PS4_supporting, and PVS1.